The following is an entry in ClinVar:

ClinVar aggregate classification (germline): Uncertain significance (1 of 4 stars; one submission).

Allele frequency attached by ClinVar (database versions not stated): ExAC 0.00001; gnomAD 0.00001; gnomAD exomes 0.00001; TOPMed 0.00002; ESP Exome Variant Server 0.00008.
gnomAD v4.1: 13 of 1,612,704 alleles (0.00081%); highest among the groups gnomAD compares: Non-Finnish European, 0.001%; no homozygotes.

Submission:

Labcorp Genetics (formerly Invitae), Labcorp
Classification: Uncertain significance. Last evaluated: 2021-10-20. Review status: criteria provided, single submitter. Criteria: Invitae Variant Classification Sherloc (09022015). Collection method: clinical testing. Allele origin: germline.
Comment: In summary, the available evidence is currently insufficient to determine the role of this variant in disease. Therefore, it has been classified as a Variant of Uncertain Significance. Variants that disrupt the consensus splice site are a relatively common cause of aberrant splicing (PMID: 17576681, 9536098). Algorithms developed to predict the effect of sequence changes on RNA splicing suggest that this variant may disrupt the consensus splice site. This variant has not been reported in the literature in individuals affected with HSPG2-related conditions. This variant is present in population databases (rs375271939, ExAC 0.002%). This sequence change falls in intron 51 of the HSPG2 gene. It does not directly change the encoded amino acid sequence of the HSPG2 protein. It affects a nucleotide within the consensus splice site.

Literature cited by the submitters: PubMed 17576681; PubMed 9536098.

NM_005529.7(HSPG2):c.6591+3A>G

Genes: HSPG2 (heparan sulfate proteoglycan 2; minus strand), LOC126805655 (CDK7 strongly-dependent group 2 enhancer GRCh37_chr1:22178409-22179608; plus strand). Cytogenetic location: 1p36.12.
Variant type: single nucleotide variant.
Coding change: c.6591+3A>G on transcript NM_005529.7 (MANE Select); 3 bases into the intron after coding-DNA position 6591, A replaced by G.
Molecular consequence: intron variant.
Genome position (GRCh38, 1-based): chr1:21,852,916, T>C on the plus strand (A>G on the coding strand, the complement: HSPG2 is on the minus strand). VCF-style: chr1-21852916-T-C. GRCh37 (hg19) VCF-style: chr1-22179409-T-C.
Other names: c.6594+3A>G (NM_001291860.2).
Identifiers: ClinVar variation 1516633 (VCV001516633.6), dbSNP rs375271939, ClinGen allele CA671500.